The following is an entry in ClinVar:

NM_000051.4(ATM):c.2585C>A (p.Pro862His)

Gene: ATM (ATM serine/threonine kinase; plus strand). Cytogenetic location: 11q22.3.
Variant type: single nucleotide variant.
Coding change: c.2585C>A on transcript NM_000051.4 (MANE Select); coding-DNA position 2585, C replaced by A.
Protein change: p.Pro862His; replaces proline 862 with histidine.
Molecular consequence: missense variant.
Genome position (GRCh38, 1-based): chr11:108,267,289, C>A. VCF-style: chr11-108267289-C-A. GRCh37 (hg19) VCF-style: chr11-108138016-C-A.
Other names: c.2585C>A, p.Pro862His (NM_001351834.2); short protein forms P862H.
Identifiers: ClinVar variation 572968 (VCV000572968.8), dbSNP rs1565416725, ClinGen allele CA382543978.
Genomic context (GRCh38, chr11:108,267,289, plus strand): 5'-CTAATGGAAATCTAATGGAGGTGGAGGATCAGTCATCCATGAATCTATTTAACGATTACC[C>A]TGATAGTAGTGTTAGTGATGCAAACGAACCTGGAGAGAGCCAAAGTACCATAGGTAAATA-3'
Protein context (NP_000042.3, residues 852-872): QSSMNLFNDY[Pro862His]DSSVSDANEP

ClinVar aggregate classification (germline): Uncertain significance (1 of 4 stars; one submission).

Conditions:
Ataxia-telangiectasia syndrome (AT). Also called: AT, COMPLEMENTATION GROUP C; Cerebello-oculocutaneous telangiectasia; Immunodeficiency with ataxia telangiectasia; Ataxia-telangiectasia, complementation group D; ATAXIA-TELANGIECTASIA, FRESNO VARIANT; Ataxia-telangiectasia, complementation group E. Identifiers: Orphanet 100, MedGen C0004135, MONDO:0008840, OMIM 208900.

Submission:

Labcorp Genetics (formerly Invitae), Labcorp
Classification: Uncertain significance for Ataxia-telangiectasia syndrome. Last evaluated: 2018-02-14. Review status: criteria provided, single submitter. Criteria: Invitae Variant Classification Sherloc (09022015). Collection method: clinical testing. Allele origin: germline.
Comment: In summary, the available evidence is currently insufficient to determine the role of this variant in disease. Therefore, it has been classified as a Variant of Uncertain Significance. Algorithms developed to predict the effect of missense changes on protein structure and function (SIFT, PolyPhen-2, Align-GVGD) all suggest that this variant is likely to be tolerated, but these predictions have not been confirmed by published functional studies and their clinical significance is uncertain. This variant has not been reported in the literature in individuals with ATM-related disease. This variant is not present in population databases (ExAC no frequency). This sequence change replaces proline with histidine at codon 862 of the ATM protein (p.Pro862His). The proline residue is weakly conserved and there is a moderate physicochemical difference between proline and histidine.